The following is an entry in ClinVar:

NM_000393.5(COL5A2):c.2969G>A (p.Gly990Glu)

Gene: COL5A2 (collagen type V alpha 2 chain; minus strand). Cytogenetic location: 2q32.2.
Variant type: single nucleotide variant.
Coding change: c.2969G>A on transcript NM_000393.5 (MANE Select); coding-DNA position 2969, G replaced by A.
Protein change: p.Gly990Glu; replaces glycine 990 with glutamic acid.
Molecular consequence: missense variant.
Genome position (GRCh38, 1-based): chr2:189,050,639, C>T on the plus strand (G>A on the coding strand, the complement: COL5A2 is on the minus strand). VCF-style: chr2-189050639-C-T. GRCh37 (hg19) VCF-style: chr2-189915365-C-T.
Other names: short protein forms G990E.
Identifiers: ClinVar variation 3615276 (VCV003615276.2).

ClinVar aggregate classification (germline): Uncertain significance (1 of 4 stars; one submission).

Conditions:
Ehlers-Danlos syndrome, classic type, 1 (EDSCL1). Also called: EHLERS-DANLOS SYNDROME, GRAVIS TYPE; EHLERS-DANLOS SYNDROME, SEVERE CLASSIC TYPE; Ehlers-Danlos syndrome, type 1; Ehlers-Danlos Syndrome, Classic Type, COL5A1-Related; EDS I. Identifiers: MedGen C0268335, MONDO:0019567, OMIM 130000.

gnomAD v4.1: 2 of 1,552,446 alleles (0.00013%); highest among the groups gnomAD compares: African/African-American, 0.0014%; no homozygotes.

Submission:

Labcorp Genetics (formerly Invitae), Labcorp
Classification: Uncertain significance for Ehlers-Danlos syndrome, classic type, 1. Last evaluated: 2024-12-31. Review status: criteria provided, single submitter. Criteria: Invitae Variant Classification Sherloc (09022015). Collection method: clinical testing. Allele origin: germline.
Comment: This sequence change replaces glycine, which is neutral and non-polar, with glutamic acid, which is acidic and polar, at codon 990 of the COL5A2 protein (p.Gly990Glu). This variant is not present in population databases (gnomAD no frequency). This variant has not been reported in the literature in individuals affected with COL5A2-related conditions. Invitae Evidence Modeling of protein sequence and biophysical properties (such as structural, functional, and spatial information, amino acid conservation, physicochemical variation, residue mobility, and thermodynamic stability) indicates that this missense variant is expected to disrupt COL5A2 protein function with a positive predictive value of 80%. In summary, the available evidence is currently insufficient to determine the role of this variant in disease. Therefore, it has been classified as a Variant of Uncertain Significance.